The following is an entry in ClinVar:

ClinVar aggregate classification (germline): Likely benign (0 of 4 stars; one submission).

Conditions:
PIP5K1C-related disorder. Also called: PIP5K1C-related condition.

Allele frequency attached by ClinVar (database versions not stated): 1000 Genomes Project 30x 0.00141; 1000 Genomes Project 0.00160; gnomAD 0.00173.
gnomAD v4.1: 480 of 1,535,732 alleles (0.031%); highest among the groups gnomAD compares: African/African-American, 0.57%; no homozygotes.

Submission:

PreventionGenetics, part of Exact Sciences
Classification: Likely benign for PIP5K1C-related condition. Last evaluated: 2019-11-12. Review status: no assertion criteria provided. Collection method: clinical testing. Allele origin: germline.
Comment: This variant is classified as likely benign based on ACMG/AMP sequence variant interpretation guidelines (Richards et al. 2015 PMID: 25741868, with internal and published modifications).

NM_012398.3(PIP5K1C):c.1920+1430G>C

Gene: PIP5K1C (phosphatidylinositol-4-phosphate 5-kinase type 1 gamma; minus strand). Cytogenetic location: 19p13.3.
Variant type: single nucleotide variant.
Coding change: c.1920+1430G>C on transcript NM_012398.3 (MANE Select); 1430 bases into the intron after coding-DNA position 1920, G replaced by C.
Molecular consequence: intron variant. On other transcripts: missense variant (1).
Genome position (GRCh38, 1-based): chr19:3,637,454, C>G on the plus strand (G>C on the coding strand, the complement: PIP5K1C is on the minus strand). VCF-style: chr19-3637454-C-G. GRCh37 (hg19) VCF-style: chr19-3637452-C-G.
Other names: c.2080G>C, p.Ala694Pro (NM_001300849.2); c.1920+1430G>C (NM_001195733.2); short protein forms A694P.
Identifiers: ClinVar variation 3045610 (VCV003045610.2), dbSNP rs552785133, ClinGen allele CA9081951.